The following is an entry in ClinVar:

NM_018489.3(ASH1L):c.7341T>G (p.Ile2447Met)

Gene: ASH1L (ASH1 like histone lysine methyltransferase; minus strand). Cytogenetic location: 1q22.
Variant type: single nucleotide variant.
Coding change: c.7341T>G on transcript NM_018489.3 (MANE Select); coding-DNA position 7341, T replaced by G.
Protein change: p.Ile2447Met; replaces isoleucine 2447 with methionine.
Molecular consequence: missense variant.
Genome position (GRCh38, 1-based): chr1:155,352,731, A>C on the plus strand (T>G on the coding strand, the complement: ASH1L is on the minus strand). VCF-style: chr1-155352731-A-C. GRCh37 (hg19) VCF-style: chr1-155322522-A-C.
Other names: c.7356T>G, p.Ile2452Met (NM_001366177.2); short protein forms I2447M, I2452M.
Identifiers: ClinVar variation 2662746 (VCV002662746.1), dbSNP rs2525753468, ClinGen allele CA342744721.

ClinVar aggregate classification (germline): Uncertain significance (1 of 4 stars; one submission).

Submission:

GeneDx
Classification: Uncertain significance. Last evaluated: 2023-04-24. Review status: criteria provided, single submitter. Criteria: GeneDx Variant Classification Process June 2021. Collection method: clinical testing. Allele origin: germline. Affected: yes.
Comment: Not observed at significant frequency in large population cohorts (gnomAD); In silico analysis supports that this missense variant does not alter protein structure/function; Has not been previously published as pathogenic or benign to our knowledge